The following is an entry in ClinVar:

NM_031942.5(CDCA7):c.54_57del (p.Lys18fs)

Gene: CDCA7 (cell division cycle associated 7; plus strand). Cytogenetic location: 2q31.1.
Variant type: Deletion.
Coding change: c.54_57del on transcript NM_031942.5 (MANE Select); coding-DNA positions 54 to 57, 4 bases deleted (GAAA; older notation c.54_57delGAAA).
Protein change: p.Lys18fs; shifts the reading frame from lysine 18.
Molecular consequence: frameshift variant.
Genome position (GRCh38, 1-based): chr2:173,358,744-173,358,747, GAAA deleted; deleting any 4 consecutive bases within chr2:173,358,741-173,358,747 gives the same sequence; the c. name uses the placement nearest the transcript's 3' end. VCF-style (leftmost placement, unchanged base first): chr2-173358740-TAAAG-T. GRCh37 (hg19) VCF-style: chr2-174223468-TAAAG-T.
Other names: c.54_57del, p.Lys18fs (NM_145810.3); short protein forms K18fs.
Identifiers: ClinVar variation 4797287 (VCV004797287.1).

ClinVar aggregate classification (germline): Uncertain significance (1 of 4 stars; one submission).

Submission:

Labcorp Genetics (formerly Invitae), Labcorp
Classification: Uncertain significance. Last evaluated: 2025-11-24. Review status: criteria provided, single submitter. Criteria: Invitae Variant Classification Sherloc (09022015). Collection method: clinical testing. Allele origin: germline.
Comment: This sequence change creates a premature translational stop signal (p.Lys18Asnfs*5) in the CDCA7 gene. It is expected to result in an absent or disrupted protein product. However, the current clinical and genetic evidence is not sufficient to establish whether loss-of-function variants in CDCA7 cause disease. This variant is present in population databases (rs778918232, gnomAD 0.003%). This variant has not been reported in the literature in individuals affected with CDCA7-related conditions. In summary, the available evidence is currently insufficient to determine the role of this variant in disease. Therefore, it has been classified as a Variant of Uncertain Significance.